The following is an entry in ClinVar:

NM_018942.3(HMX1):c.614A>C (p.Lys205Thr)

Gene: HMX1 (H6 family homeobox 1; minus strand). Cytogenetic location: 4p16.1.
Variant type: single nucleotide variant.
Coding change: c.614A>C on transcript NM_018942.3 (MANE Select); coding-DNA position 614, A replaced by C.
Protein change: p.Lys205Thr; replaces lysine 205 with threonine.
Molecular consequence: missense variant. On other transcripts: intron variant (1).
Genome position (GRCh38, 1-based): chr4:8,868,126, T>G on the plus strand (A>C on the coding strand, the complement: HMX1 is on the minus strand). VCF-style: chr4-8868126-T-G. GRCh37 (hg19) VCF-style: chr4-8869852-T-G.
Other names: c.394+3095A>C (NM_001306142.2); short protein forms K205T.
Identifiers: ClinVar variation 1434705 (VCV001434705.8), dbSNP rs1442317752, ClinGen allele CA356278194.
Genomic context (GRCh38, chr4:8,868,126, plus strand): 5'-TTCAGGTCGAAGGTGGATTCCAGCTGGAAGACCTGGCTGCGGGAGAAGACTGTGCGCGTC[T>G]TCTTCTTTCGGCCGCCGCCCACGCCAACGCCGCCGCGTGTCTCCCCAGCCGCCGCAGGGA-3'
Protein context (NP_061815.2, residues 195-215): GVGVGGGRKK[Lys205Thr]TRTVFSRSQV

ClinVar aggregate classification (germline): Uncertain significance (1 of 4 stars; one submission).

Allele frequency attached by ClinVar (database versions not stated): gnomAD 0.00001; gnomAD exomes 0.00001; TOPMed 0.00002.
gnomAD v4.1: 32 of 1,514,504 alleles (0.0021%); highest among the groups gnomAD compares: Non-Finnish European, 0.0022%; no homozygotes.

Submission:

Labcorp Genetics (formerly Invitae), Labcorp
Classification: Uncertain significance. Last evaluated: 2022-08-16. Review status: criteria provided, single submitter. Criteria: Invitae Variant Classification Sherloc (09022015). Collection method: clinical testing. Allele origin: germline.
Comment: In summary, the available evidence is currently insufficient to determine the role of this variant in disease. Therefore, it has been classified as a Variant of Uncertain Significance. This sequence change replaces lysine, which is basic and polar, with threonine, which is neutral and polar, at codon 205 of the HMX1 protein (p.Lys205Thr). This variant is present in population databases (no rsID available, gnomAD 0.008%). This variant has not been reported in the literature in individuals affected with HMX1-related conditions. ClinVar contains an entry for this variant (Variation ID: 1434705). Algorithms developed to predict the effect of missense changes on protein structure and function (SIFT, PolyPhen-2, Align-GVGD) all suggest that this variant is likely to be disruptive.